The following is an entry in ClinVar:

ClinVar aggregate classification (germline): Conflicting classifications of pathogenicity. Review status: criteria provided, conflicting classifications (1 of 4 stars). 11 submissions from 11 submitters: Pathogenic (3); Likely pathogenic (6); Uncertain significance (1). 1 of the submissions does not count toward it. Last evaluated 2026-01-28.

Conditions:
PYGM-related disorder. Also called: PYGM-related condition.
Tip-toe gait. Also called: Toe walking. Identifiers: MedGen C0427144, HP:0030051.
Glycogen storage disease, type V (GSD5). Also called: McArdle type glycogen storage disease; MCARDLE DISEASE; MUSCLE GLYCOGEN PHOSPHORYLASE DEFICIENCY; MYOPHOSPHORYLASE DEFICIENCY; PYGM DEFICIENCY. Identifiers: Orphanet 368, MedGen C0017924, MONDO:0009293, OMIM 232600.

Allele frequency attached by ClinVar (database versions not stated): ESP Exome Variant Server 0.00008; gnomAD 0.00008 and 0.00009; gnomAD exomes 0.00009 and 0.00014; TOPMed 0.00009; ExAC 0.00014.
gnomAD v4.1: 149 of 1,613,856 alleles (0.0092%); highest among the groups gnomAD compares: South Asian, 0.013%; no homozygotes.

Submissions (11):

Labcorp Genetics (formerly Invitae), Labcorp
Classification: Pathogenic for Glycogen storage disease, type V. Last evaluated: 2026-01-28. Review status: criteria provided, single submitter. Criteria: Invitae Variant Classification Sherloc (09022015). Collection method: clinical testing. Allele origin: germline.
Comment: This sequence change replaces arginine, which is basic and polar, with glutamine, which is neutral and polar, at codon 602 of the PYGM protein (p.Arg602Gln). This variant is present in population databases (rs373190458, gnomAD 0.3%). This missense change has been observed in individual(s) with McArdle disease (PMID: 12398832, 21658951, 21880526, 34215481). In at least one individual the data is consistent with being in trans (on the opposite chromosome) from a pathogenic variant. This variant is also known as Arg601Gln. ClinVar contains an entry for this variant (Variation ID: 592764). Invitae Evidence Modeling of protein sequence and biophysical properties (such as structural, functional, and spatial information, amino acid conservation, physicochemical variation, residue mobility, and thermodynamic stability) indicates that this missense variant is expected to disrupt PYGM protein function with a positive predictive value of 95%. Algorithms developed to predict the effect of sequence changes on RNA splicing suggest that this variant may disrupt the consensus splice site. This variant disrupts the p.Arg602 amino acid residue in PYGM. Other variant(s) that disrupt this residue have been determined to be pathogenic (PMID: 22250184; internal data). This suggests that this residue is clinically significant, and that variants that disrupt this residue are likely to be disease-causing. For these reasons, this variant has been classified as Pathogenic.

Natera, Inc.
Classification: Likely pathogenic for Glycogen storage disease V. Last evaluated: 2025-11-16. Review status: criteria provided, single submitter. Criteria: Natera Variant Classification Schema (03/2026). Collection method: clinical testing. Allele origin: germline.
Comment: The c.1805G>A variant in PYGM is a missense variant predicted to cause substitution of arginine to glutamine at amino acid 602. The frequency of this variant in the general population is greater than expected for disorder. This variant has been observed in one or more individuals affected with the associated recessive disease, as either homozygous or compound heterozygous with a second variant (PMID: 34534370, 12398832, 21658951). A different variant at the same position has been determined to be Pathogenic or Likely Pathogenic. Computational prediction algorithms indicate this variant is likely to affect gene or protein function. Given the available evidence, this variant is classified as Likely Pathogenic.

Revvity Omics, Revvity
Classification: Likely pathogenic for Glycogen storage disease, type V. Last evaluated: 2025-06-16. Review status: criteria provided, single submitter. Criteria: ACMG Guidelines, 2015. Collection method: clinical testing. Allele origin: germline.

Women's Health and Genetics/Laboratory Corporation of America, LabCorp
Classification: Likely pathogenic for Glycogen storage disease, type V. Last evaluated: 2025-04-10. Review status: criteria provided, single submitter. Criteria: LabCorp Variant Classification Summary - May 2015. Collection method: clinical testing. Allele origin: germline.
Comment: Variant summary: PYGM c.1805G>A (p.Arg602Gln) results in a conservative amino acid change in the encoded protein sequence. Four of five in-silico tools predict a damaging effect of the variant on protein function. The variant allele was found at a frequency of 0.00014 in 251210 control chromosomes. This frequency is not significantly higher than estimated for a pathogenic variant in PYGM causing Glycogen Storage Disease, Type V (0.00014 vs 0.0035), allowing no conclusion about variant significance. c.1805G>A has been reported in the literature in individuals affected with Glycogen Storage Disease, Type V (Hadjigeorgiou_2002, Miteff_2011, Lavcorp internal case). These data indicate that the variant is likely to be associated with disease. To our knowledge, no experimental evidence demonstrating an impact on protein function has been reported. The following publications have been ascertained in the context of this evaluation (PMID: 34215481, 12398832, 21658951, 34534370). ClinVar contains an entry for this variant (Variation ID: 592764). Based on the evidence outlined above, the variant was classified as likely pathogenic.

Baylor Genetics
Classification: Likely pathogenic for Glycogen storage disease, type V. Last evaluated: 2024-03-20. Review status: criteria provided, single submitter. Criteria: ACMG Guidelines, 2015. Collection method: clinical testing. Allele origin: unknown.

Fulgent Genetics
Classification: Likely pathogenic for Glycogen storage disease, type V. Last evaluated: 2024-03-13. Review status: criteria provided, single submitter. Criteria: ACMG Guidelines, 2015. Collection method: clinical testing. Allele origin: germline.

Practice for Gait Abnormalities, David Pomarino, Competency Network Toe Walking C/o Practice Pomarino
Classification: Likely pathogenic for Tip-toe gait. Last evaluated: 2022-03-31. Review status: criteria provided, single submitter. Criteria: ACMG Guidelines, 2015. Collection method: clinical testing. Allele origin: germline. Affected: yes.
Comment: Toe Walking has various causes, ranging from idiopathic or habitual reasons to an underlying neuromuscular disease. The most observed form of toe walking is idiopathic toe walking (ITW) - a diagnosis of exclusion. ITW occurs in about 5% of children after their second birthday and is a common problem in pediatric orthopedics. In about 70% of these cases, there is spontaneous remission within six months of the onset of ITW. If the toe walk persists, one can assume the presence of a non-idiopathic form of toe walk (n-ITW). In n-ITW, the causes of the abnormal gait are neurological or myogenic. Differential diagnoses such as infantile cerebral palsy, muscular dystrophy, spinal amyotrophy and hereditary motor-sensory neuropathy as well as rare metabolic disorders of the musculature must be considered (Pomarino et al., 2018). In our clinical ITW consultation, we screen children with n-ITW for a genetic form of tiptoe gait using next generation sequencing for gene variants in 49 genes. These are genes in which gene variants can lead to neuromuscular diseases in which an association with toe-tapping gait has been reported or can be suspected due to patients’ clinical symptoms. To the best of our knowledge, this is the first study in which several patients with toe walking displayed heterozygosity for pathogenic or likely pathogenic PYGM mutations and mild symptoms of the metabolic muscle disease McArdle. The findings of our research are in line with recently published observations in heterozygous family members patients with McArdle disease. We should mention that some of the patients in our cohort harbored heterozygous variants in other genes of our gene panel. However, the numbers in this study were too small to workout any resulting combined genetic effects. It is concluded that genetic conditions can contribute to the development of toe walking. Apparently, even a slight genetic weakening of the muscles can lead to changes to the gait pattern. Future studies must show how the pathomechanism can be explained for the PYGM variants and whether there are new therapeutic approaches to be developed based on this research.

GeneDx
Classification: Pathogenic. Last evaluated: 2021-03-02. Review status: criteria provided, single submitter. Criteria: GeneDx Variant Classification Process June 2021. Collection method: clinical testing. Allele origin: germline. Affected: yes.
Comment: Missense variants in this gene are often considered pathogenic (Stenson et al., 2014); In silico analysis supports that this missense variant has a deleterious effect on protein structure/function; This variant is associated with the following publications: (PMID: 17915571, 21658951, 15979037, 21880526, 12398832, 25741863)

CeGaT Center for Human Genetics Tuebingen
Classification: Pathogenic. Last evaluated: 2019-10-01. Review status: criteria provided, single submitter. Criteria: CeGaT Center For Human Genetics Tuebingen Variant Classification Criteria Version 2. Collection method: clinical testing. Allele origin: germline. Affected: yes. Observed: 1 variant allele.

Eurofins Ntd Llc (ga)
Classification: Uncertain significance. Last evaluated: 2018-04-23. Review status: criteria provided, single submitter. Criteria: EGL ClinVar v180209 classification definitions. Collection method: clinical testing. Allele origin: germline. Observed: 2 variant alleles, 2 heterozygotes.

PreventionGenetics, part of Exact Sciences
Classification: Pathogenic for PYGM-related condition. Last evaluated: 2024-03-07. Review status: no assertion criteria provided. Collection method: clinical testing. Allele origin: germline. Not counted in ClinVar's aggregate classification.
Comment: The PYGM c.1805G>A variant is predicted to result in the amino acid substitution p.Arg602Gln. This variant has been reported in the biallelic state in multiple patients with McArdle disease (Hadjigeorgiou et al 2002. PubMed ID: 12398832; variant referred to as p.Arg601Gln in Miteff et al. 2011. PubMed ID: 21658951; Gandhi et al. 2021. PubMed ID: 34215481; Pizzamiglio et al. 2021. PubMed ID: 34534370). This variant is reported in 0.25% of alleles in individuals of Ashkenazi Jewish descent in gnomAD. In addition, another variant impacting the same amino acid (p.Arg602Trp) has been reported in a patient with McArdle disease (Lucia et al. 2012. PubMed ID: 22250184). Based on this evidence, we interpret the c.1805G>A (p.Arg602Gln) variant as pathogenic.

Literature cited by the submitters: PubMed 12398832 (cited by 3 submitters); PubMed 21658951 (cited by 3 submitters); PubMed 21880526 (cited by Labcorp Genetics (formerly Invitae), Labcorp); PubMed 34215481 (cited by Labcorp Genetics (formerly Invitae), Labcorp and Women's Health and Genetics/Laboratory Corporation of America, LabCorp); PubMed 22250184 (cited by Labcorp Genetics (formerly Invitae), Labcorp); PubMed 34534370 (cited by Natera, Inc. and Women's Health and Genetics/Laboratory Corporation of America, LabCorp); PubMed 29881221 (cited by Practice for Gait Abnormalities, David Pomarino, Competency Network Toe Walking C/o Practice Pomarino); DOI 10.1016/j.rchot.2016.09.001 (cited by Practice for Gait Abnormalities, David Pomarino, Competency Network Toe Walking C/o Practice Pomarino); DOI 10.51793/OS.2022.25.6.010 (cited by Practice for Gait Abnormalities, David Pomarino, Competency Network Toe Walking C/o Practice Pomarino).

NM_005609.4(PYGM):c.1805G>A (p.Arg602Gln)

Gene: PYGM (glycogen phosphorylase, muscle associated; minus strand). Cytogenetic location: 11q13.1.
Variant type: single nucleotide variant.
Coding change: c.1805G>A on transcript NM_005609.4 (MANE Select); coding-DNA position 1805, G replaced by A.
Protein change: p.Arg602Gln; replaces arginine 602 with glutamine.
Molecular consequence: missense variant.
Genome position (GRCh38, 1-based): chr11:64,751,619, C>T on the plus strand (G>A on the coding strand, the complement: PYGM is on the minus strand). VCF-style: chr11-64751619-C-T. GRCh37 (hg19) VCF-style: chr11-64519091-C-T.
Other names: c.1541G>A, p.Arg514Gln (NM_001164716.1); c.1805G>A (NM_005609.3); short protein forms R602Q, R514Q.
Identifiers: ClinVar variation 592764 (VCV000592764.67), dbSNP rs373190458, ClinGen allele CA6079730.